The following is an entry in ClinVar:

ClinVar aggregate classification (germline): Pathogenic. Review status: reviewed by expert panel (3 of 4 stars). 10 submissions from 10 submitters: Pathogenic (1). 9 of the submissions do not count toward it. Last evaluated 2016-09-08.

Conditions:
Breast and/or ovarian cancer. Identifiers: MedGen CN221562.
Hereditary breast ovarian cancer syndrome. Also called: Hereditary breast and ovarian cancer syndrome; Hereditary breast and ovarian cancer; Hereditary breast and ovarian cancer syndrome (HBOC); Breast and ovarian cancer; Hereditary breast and/or ovarian cancer syndrome; BRCA1- and BRCA2-Associated Hereditary Breast and Ovarian Cancer. Identifiers: Orphanet 145, MedGen C0677776, MeSH D061325, MONDO:0003582. Disease mechanism: loss of function.
Hereditary cancer-predisposing syndrome. Also called: Neoplastic Syndromes, Hereditary; Tumor predisposition; Hereditary neoplastic syndrome; Hereditary Cancer Syndrome. Identifiers: Orphanet 140162, MedGen C0027672, MeSH D009386, MONDO:0015356.
Breast-ovarian cancer, familial, susceptibility to, 2 (BROVCA2). Also called: BRCA2 Hereditary Breast and Ovarian Cancer. Identifiers: Orphanet 145, MedGen C2675520, MONDO:0012933, OMIM 612555. Disease mechanism: loss of function.

Submissions (10):

Evidence-based Network for the Interpretation of Germline Mutant Alleles (ENIGMA)
Classification: Pathogenic for Breast-ovarian cancer, familial, susceptibility to, 2. Last evaluated: 2016-09-08. Review status: reviewed by expert panel. Criteria: ENIGMA BRCA1/2 Classification Criteria (2015). Collection method: curation. Allele origin: germline.
Comment: Variant allele predicted to encode a truncated non-functional protein.

GeneKor MSA
Classification: Likely pathogenic for Hereditary breast ovarian cancer syndrome. Last evaluated: 2025-06-23. Review status: criteria provided, single submitter. Criteria: ACMG Guidelines, 2015. Collection method: clinical testing. Allele origin: germline. Not counted in ClinVar's aggregate classification.
Comment: This sequence change deletes 2 nucleotides from exon 18 of the BRCA2 mRNA c.(8042_8043delCA), causing a frameshift at codon 2681. This creates a premature translational stop signal p.(Thr2681Serfs*) at this position and is expected to result in an absent or disrupted protein product. This variant has been observed in several families with clinical features of hereditary breast and ovarian cancer syndrome (PMID:18489799, 23479189, 23683081). Loss-of-function variants in BRCA2 are known to be pathogenic (PMID:20104584).This variant is not present in the population databases (rs276174901). The mutation database ClinVar contains entries for this variant (VCV000052483.21). Based on the classification criteria set by the ACMG and AMP (PMID:25741868) this variant has been classified as likely pathogenic.

Labcorp Genetics (formerly Invitae), Labcorp
Classification: Pathogenic for Hereditary breast ovarian cancer syndrome. Last evaluated: 2025-05-27. Review status: criteria provided, single submitter. Criteria: Invitae Variant Classification Sherloc (09022015). Collection method: clinical testing. Allele origin: germline. Not counted in ClinVar's aggregate classification.
Comment: This sequence change creates a premature translational stop signal (p.Thr2681Serfs*11) in the BRCA2 gene. It is expected to result in an absent or disrupted protein product. Loss-of-function variants in BRCA2 are known to be pathogenic (PMID: 20104584). This variant is not present in population databases (gnomAD no frequency). This premature translational stop signal has been observed in individual(s) with clinical features of hereditary breast and ovarian cancer syndrome (PMID: 18489799, 23479189, 23683081). This variant is also known as c.8270_8271delCA. For these reasons, this variant has been classified as Pathogenic.

Ambry Genetics
Classification: Pathogenic for Hereditary cancer-predisposing syndrome. Last evaluated: 2023-04-10. Review status: criteria provided, single submitter. Criteria: Ambry Variant Classification Scheme 2023. Collection method: clinical testing. Allele origin: germline. Not counted in ClinVar's aggregate classification.
Comment: The c.8042_8043delCA pathogenic mutation, located in coding exon 17 of the BRCA2 gene, results from a deletion of two nucleotides at nucleotide positions 8042 to 8043, causing a translational frameshift with a predicted alternate stop codon (p.T2681Sfs*11). This alteration was identified amongst a cohort of 256 Spanish patients and 7400 Czech families undergoing BRCA1/2 genetic testing based on personal and/or family history of breast and/or ovarian cancer (Blay P et al. BMC Cancer, 2013 May;13:243; Machackova E et al. Klin Onkol, 2019;32:51-71). This variant is considered to be rare based on population cohorts in the Genome Aggregation Database (gnomAD). In addition to the clinical data presented in the literature, this alteration is expected to result in loss of function by premature protein truncation or nonsense-mediated mRNA decay. As such, this alteration is interpreted as a disease-causing mutation.

GeneDx
Classification: Pathogenic. Last evaluated: 2023-03-13. Review status: criteria provided, single submitter. Criteria: GeneDx Variant Classification Process June 2021. Collection method: clinical testing. Allele origin: germline. Affected: yes. Not counted in ClinVar's aggregate classification.
Comment: Frameshift variant predicted to result in protein truncation or nonsense mediated decay in a gene for which loss-of-function is a known mechanism of disease; Not observed in large population cohorts (gnomAD); Truncating variants in this gene are considered pathogenic by a well-established clinical consortium and/or database; Also known as 8270_8271delCA; This variant is associated with the following publications: (PMID: 23683081, 20033483, 28127413, 18489799, 23479189, 31825140, 31723001)

Consortium of Investigators of Modifiers of BRCA1/2 (CIMBA), c/o University of Cambridge
Classification: Pathogenic for Breast-ovarian cancer, familial, susceptibility to, 2. Last evaluated: 2015-10-02. Review status: criteria provided, single submitter. Criteria: CIMBA Mutation Classification guidelines May 2016. Collection method: clinical testing. Allele origin: germline. Not counted in ClinVar's aggregate classification.

Molecular Oncology, Hospital Universitario Central de Asturias (HUCA)
Classification: Pathogenic for Breast-ovarian cancer, familial, susceptibility to, 2. Last evaluated: 2021-05-24. Review status: no assertion criteria provided. Collection method: case-control. Allele origin: germline. Affected: yes. Not counted in ClinVar's aggregate classification.

CZECANCA consortium
Classification: Pathogenic for Breast and/or ovarian cancer. Last evaluated: 2019-06-11. Review status: no assertion criteria provided. Collection method: clinical testing. Allele origin: germline. Affected: yes. Observed: 1 variant allele. Not counted in ClinVar's aggregate classification.

Sharing Clinical Reports Project (SCRP)
Classification: Pathogenic for Breast-ovarian cancer, familial 2. Last evaluated: 2012-08-03. Review status: no assertion criteria provided. Collection method: clinical testing. Allele origin: germline. Not counted in ClinVar's aggregate classification.

Breast Cancer Information Core (BIC) (BRCA2)
Classification: Pathogenic for Breast-ovarian cancer, familial 2. Last evaluated: 2009-04-28. Review status: no assertion criteria provided. Collection method: clinical testing. Allele origin: germline. Affected: yes. Observed: 1 variant allele. Not counted in ClinVar's aggregate classification.

Literature cited by the submitters: PubMed 18489799 (cited by GeneKor MSA and Labcorp Genetics (formerly Invitae), Labcorp); PubMed 23479189 (cited by GeneKor MSA and Labcorp Genetics (formerly Invitae), Labcorp); PubMed 23683081 (cited by 3 submitters); PubMed 20104584 (cited by GeneKor MSA and Labcorp Genetics (formerly Invitae), Labcorp); PubMed 31409081 (cited by Ambry Genetics); PubMed 38922859 (cited by Molecular Oncology, Hospital Universitario Central de Asturias (HUCA)); PubMed 32295079 (cited by CZECANCA consortium).

NM_000059.4(BRCA2):c.8042_8043del (p.Thr2681fs)

Gene: BRCA2 (BRCA2 DNA repair associated; plus strand). Cytogenetic location: 13q13.1.
Variant type: Microsatellite.
Coding change: c.8042_8043del on transcript NM_000059.4 (MANE Select); coding-DNA positions 8042 to 8043, 2 bases deleted (CA; older notation c.8042_8043delCA).
Protein change: p.Thr2681fs; shifts the reading frame from threonine 2681.
Molecular consequence: frameshift variant.
Genome position (GRCh38, 1-based): chr13:32,363,244-32,363,245, CA deleted; deleting any 2 consecutive bases within chr13:32,363,241-32,363,245 gives the same sequence; the c. name uses the placement nearest the transcript's 3' end. VCF-style (leftmost placement, unchanged base first): chr13-32363240-GAC-G. GRCh37 (hg19) VCF-style: chr13-32937377-GAC-G.
Other names: 8270delCA; c.8039_8040del (NM_000059.3); c.8042_8043delCA (NM_000059.3); short protein forms T2681fs.
Identifiers: ClinVar variation 52483 (VCV000052483.23), dbSNP rs276174901, ClinGen allele CA025419.